The following is an entry in ClinVar:

ClinVar aggregate classification (germline): Uncertain significance (1 of 4 stars; one submission).

Conditions:
PLXNA2-related disorder. Also called: PLXNA2-related condition.

gnomAD v4.1: 3 of 1,614,232 alleles (0.00019%); highest among the groups gnomAD compares: South Asian, 0.0011%; no homozygotes.

Submission:

PreventionGenetics, part of Exact Sciences
Classification: Uncertain significance for PLXNA2-related condition. Last evaluated: 2024-10-14. Review status: criteria provided, single submitter. Criteria: ACMG Guidelines, 2015. Collection method: clinical testing. Allele origin: germline.
Comment: The PLXNA2 c.4147C>T variant is predicted to result in the amino acid substitution p.Arg1383Trp. To our knowledge, this variant has not been reported in the literature. This variant is reported in 0.00088% of alleles in individuals of European (Non-Finnish) descent in gnomAD. At this time, the clinical significance of this variant is uncertain due to the absence of conclusive functional and genetic evidence.

NM_025179.4(PLXNA2):c.4147C>T (p.Arg1383Trp)

Gene: PLXNA2 (plexin A2; minus strand). Cytogenetic location: 1q32.2.
Variant type: single nucleotide variant.
Coding change: c.4147C>T on transcript NM_025179.4 (MANE Select); coding-DNA position 4147, C replaced by T.
Protein change: p.Arg1383Trp; replaces arginine 1383 with tryptophan.
Molecular consequence: missense variant.
Genome position (GRCh38, 1-based): chr1:208,042,237, G>A on the plus strand (C>T on the coding strand, the complement: PLXNA2 is on the minus strand). VCF-style: chr1-208042237-G-A. GRCh37 (hg19) VCF-style: chr1-208215582-G-A.
Other names: short protein forms R1383W.
Identifiers: ClinVar variation 4998175 (VCV004998175.1).